The following is an entry in ClinVar:

NM_182961.4(SYNE1):c.17347-13A>G

Genes: SYNE1 (spectrin repeat containing nuclear envelope protein 1; minus strand), LOC129997480 (ATAC-STARR-seq lymphoblastoid active region 25287; plus strand). Cytogenetic location: 6q25.2.
Variant type: single nucleotide variant.
Coding change: c.17347-13A>G on transcript NM_182961.4 (MANE Select); 13 bases into the intron before coding-DNA position 17347, A replaced by G.
Molecular consequence: intron variant.
Genome position (GRCh38, 1-based): chr6:152,302,076, T>C on the plus strand (A>G on the coding strand, the complement: SYNE1 is on the minus strand). VCF-style: chr6-152302076-T-C. GRCh37 (hg19) VCF-style: chr6-152623211-T-C.
Other names: c.17134-13A>G (NM_033071.5).
Identifiers: ClinVar variation 2051640 (VCV002051640.4), dbSNP rs781156812, ClinGen allele CA4055242.

ClinVar aggregate classification (germline): Uncertain significance (1 of 4 stars; one submission).

Conditions:
Emery-Dreifuss muscular dystrophy 4, autosomal dominant (EDMD4). Also called: EMERY-DREIFUSS MUSCULAR DYSTROPHY 4 WITH VARIABLE FEATURES. Identifiers: Orphanet 261, MedGen C2751807, MONDO:0013071, OMIM 612998.
Autosomal recessive ataxia, Beauce type. Also called: SYNE1 Deficiency; Spinocerebellar ataxia, autosomal recessive 8; ATAXIA, RECESSIVE, OF BEAUCE; SYNE1-Related Autosomal Recessive Cerebellar Ataxia. Identifiers: Orphanet 88644, MedGen C1853116, MONDO:0012549, OMIM 610743.

Allele frequency attached by ClinVar (database versions not stated): TOPMed below 0.00001; ExAC 0.00001; gnomAD exomes below 0.00001.
gnomAD v4.1: 3 of 1,614,198 alleles (0.00019%); highest among the groups gnomAD compares: African/African-American, 0.0013%; no homozygotes.

Submission:

Labcorp Genetics (formerly Invitae), Labcorp
Classification: Uncertain significance for Emery-Dreifuss muscular dystrophy 4, autosomal dominant; Autosomal recessive ataxia, Beauce type. Last evaluated: 2022-08-15. Review status: criteria provided, single submitter. Criteria: Invitae Variant Classification Sherloc (09022015). Collection method: clinical testing. Allele origin: germline.
Comment: This sequence change falls in intron 90 of the SYNE1 gene. It does not directly change the encoded amino acid sequence of the SYNE1 protein. This variant is present in population databases (rs781156812, gnomAD 0.0009%). This variant has not been reported in the literature in individuals affected with SYNE1-related conditions. Algorithms developed to predict the effect of sequence changes on RNA splicing suggest that this variant may disrupt the consensus splice site. In summary, the available evidence is currently insufficient to determine the role of this variant in disease. Therefore, it has been classified as a Variant of Uncertain Significance.